The following is an entry in ClinVar:

NM_002878.4(RAD51D):c.668-20T>C

Genes: RAD51L3-RFFL (RAD51L3-RFFL readthrough; minus strand), RAD51D (RAD51 paralog D; minus strand). Cytogenetic location: 17q12.
Variant type: single nucleotide variant.
Coding change: c.668-20T>C on transcript NM_002878.4 (MANE Select); 20 bases into the intron before coding-DNA position 668, T replaced by C.
Molecular consequence: intron variant.
Genome position (GRCh38, 1-based): chr17:35,103,344, A>G on the plus strand (T>C on the coding strand, the complement: RAD51D is on the minus strand). VCF-style: chr17-35103344-A-G. GRCh37 (hg19) VCF-style: chr17-33430363-A-G.
Other names: c.332-20T>C (NM_133629.3); c.728-20T>C (NM_001142571.2).
Identifiers: ClinVar variation 2859989 (VCV002859989.4), dbSNP rs2509129323, ClinGen allele CA2739265562.
Genomic context (GRCh38, chr17:35,103,344, plus strand): 5'-GGTCTTCAGCTCTCGGGCCAGCTGCATCATCAAGGCCAAGCCTGCAGGAGGAGGAGAAGC[A>G]GAGAGGGAGGGCAGTGGGGAACCAGGGATGGGGCTGGCCAGAGACCAGACTCCAGAGCTG-3'

ClinVar aggregate classification (germline): Likely benign. Review status: criteria provided, multiple submitters, no conflicts (2 of 4 stars). 2 submissions from 2 submitters: Likely benign (2). Last evaluated 2025-02-24.

Conditions:
Breast-ovarian cancer, familial, susceptibility to, 4. Identifiers: Orphanet 145, MedGen C3280345, MONDO:0013669, OMIM 614291.

Submissions (2):

Myriad Genetics, Inc.
Classification: Likely benign for Breast-ovarian cancer, familial, susceptibility to, 4. Last evaluated: 2025-02-24. Review status: criteria provided, single submitter. Criteria: Myriad Autosomal Dominant, Autosomal Recessive and X-Linked Classification Criteria (2023). Collection method: clinical testing. Allele origin: unknown.
Comment: This variant is considered likely benign. This variant is intronic and is not expected to impact mRNA splicing.

Labcorp Genetics (formerly Invitae), Labcorp
Classification: Likely benign for Breast-ovarian cancer, familial, susceptibility to, 4. Last evaluated: 2023-10-09. Review status: criteria provided, single submitter. Criteria: Invitae Variant Classification Sherloc (09022015). Collection method: clinical testing. Allele origin: germline.